The following is an entry in ClinVar:

ClinVar aggregate classification (germline): Uncertain significance. Review status: criteria provided, multiple submitters, no conflicts (2 of 4 stars). 2 submissions from 2 submitters: Uncertain significance (2). Last evaluated 2025-10-01.

Conditions:
Tietz syndrome (TADS). Also called: HYPOPIGMENTATION/DEAFNESS OF TIETZ; TIETZ ALBINISM-DEAFNESS SYNDROME; ALBINISM-DEAFNESS OF TIETZ. Identifiers: Orphanet 42665, MedGen C0391816, MONDO:0007077, OMIM 103500.
Waardenburg syndrome type 2A (WS2A). Also called: WAARDENBURG SYNDROME WITHOUT DYSTOPIA CANTHORUM. Identifiers: Orphanet 3440, MedGen C1860339, MONDO:0008671, OMIM 193510.
Melanoma, cutaneous malignant, susceptibility to, 8. Also called: MELANOMA AND RENAL CELL CARCINOMA, SUSCEPTIBILITY TO; Cutaneous malignant melanoma 8. Identifiers: Orphanet 293822, MedGen C3152204, MONDO:0013759, OMIM 614456.
Hereditary cancer-predisposing syndrome. Also called: Hereditary neoplastic syndrome; Tumor predisposition; Hereditary Cancer Syndrome; Neoplastic Syndromes, Hereditary. Identifiers: Orphanet 140162, MedGen C0027672, MeSH D009386, MONDO:0015356.

gnomAD v4.1: 1 of 1,613,702 alleles (0.000062%); highest among the groups gnomAD compares: East Asian, 0.0022%; no homozygotes.

Submissions (2):

Labcorp Genetics (formerly Invitae), Labcorp
Classification: Uncertain significance for Melanoma, cutaneous malignant, susceptibility to, 8; Waardenburg syndrome type 2A; Tietz syndrome. Last evaluated: 2025-10-01. Review status: criteria provided, single submitter. Criteria: Invitae Variant Classification Sherloc (09022015). Collection method: clinical testing. Allele origin: germline.
Comment: This sequence change replaces lysine, which is basic and polar, with arginine, which is basic and polar, at codon 402 of the MITF protein (p.Lys402Arg). This variant is not present in population databases (gnomAD no frequency). This variant has not been reported in the literature in individuals affected with MITF-related conditions. ClinVar contains an entry for this variant (Variation ID: 3751524). Invitae Evidence Modeling of protein sequence and biophysical properties (such as structural, functional, and spatial information, amino acid conservation, physicochemical variation, residue mobility, and thermodynamic stability) indicates that this missense variant is not expected to disrupt MITF protein function with a negative predictive value of 80%. In summary, the available evidence is currently insufficient to determine the role of this variant in disease. Therefore, it has been classified as a Variant of Uncertain Significance.

Ambry Genetics
Classification: Uncertain significance for Hereditary cancer-predisposing syndrome. Last evaluated: 2025-03-03. Review status: criteria provided, single submitter. Criteria: Ambry Variant Classification Scheme 2023. Collection method: clinical testing. Allele origin: germline.
Comment: The p.K402R variant (also known as c.1205A>G), located in coding exon 9 of the MITF gene, results from an A to G substitution at nucleotide position 1205. The lysine at codon 402 is replaced by arginine, an amino acid with highly similar properties. This amino acid position is conserved. In addition, this alteration is predicted to be tolerated by in silico analysis. Based on the available evidence, the clinical significance of this variant remains unclear.

NM_001354604.2(MITF):c.1526A>G (p.Lys509Arg)

Gene: MITF (melanocyte inducing transcription factor; plus strand). Cytogenetic location: 3p13.
Variant type: single nucleotide variant.
Coding change: c.1526A>G on transcript NM_001354604.2 (MANE Select); coding-DNA position 1526, A replaced by G.
Protein change: p.Lys509Arg; replaces lysine 509 with arginine.
Molecular consequence: missense variant.
Genome position (GRCh38, 1-based): chr3:69,965,193, A>G. VCF-style: chr3-69965193-A-G. GRCh37 (hg19) VCF-style: chr3-70014344-A-G.
Other names: c.1205A>G, p.Lys402Arg (NM_000248.4); c.1352A>G, p.Lys451Arg (NM_001184967.2, NM_001354608.2); c.1523A>G, p.Lys508Arg (NM_001354605.2); c.1505A>G, p.Lys502Arg (NM_001354606.2, NM_006722.3); c.1457A>G, p.Lys486Arg (NM_001354607.2); c.1187A>G, p.Lys396Arg (NM_198158.3); c.1508A>G, p.Lys503Arg (NM_198159.3); c.1460A>G, p.Lys487Arg (NM_198177.3); and 1 more; short protein forms K340R, K396R, K402R, K451R, K486R, K487R, K502R, K503R.
Identifiers: ClinVar variation 3751524 (VCV003751524.3).